The following is an entry in ClinVar:

NM_201548.5(CERKL):c.1174T>C (p.Trp392Arg)

Gene: CERKL (CERK like autophagy regulator; minus strand). Cytogenetic location: 2q31.3.
Variant type: single nucleotide variant.
Coding change: c.1174T>C on transcript NM_201548.5 (MANE Select); coding-DNA position 1174, T replaced by C.
Protein change: p.Trp392Arg; replaces tryptophan 392 with arginine.
Molecular consequence: missense variant. On other transcripts: non-coding transcript variant (2).
Genome position (GRCh38, 1-based): chr2:181,547,712, A>G on the plus strand (T>C on the coding strand, the complement: CERKL is on the minus strand). VCF-style: chr2-181547712-A-G. GRCh37 (hg19) VCF-style: chr2-182412439-A-G.
Other names: c.1252T>C, p.Trp418Arg (NM_001030311.3); c.835T>C, p.Trp279Arg (NM_001030312.3); c.967T>C, p.Trp323Arg (NM_001030313.3); c.1120T>C, p.Trp374Arg (NM_001160277.2); c.1252T>C (NM_001030311.2); short protein forms W279R, W323R, W374R, W392R, W418R.
Identifiers: ClinVar variation 1005884 (VCV001005884.10), dbSNP rs773416880, ClinGen allele CA2010505.

ClinVar aggregate classification (germline): Uncertain significance. Review status: criteria provided, multiple submitters, no conflicts (2 of 4 stars). 3 submissions from 3 submitters: Uncertain significance (2). 1 of the submissions does not count toward it. Last evaluated 2025-05-17.

Conditions:
Inborn genetic diseases. Identifiers: MedGen C0950123, MeSH D030342.
Retinitis pigmentosa 26 (RP26). Identifiers: Orphanet 791, MedGen C1842127, MONDO:0012024, OMIM 608380.

Allele frequency attached by ClinVar (database versions not stated): gnomAD exomes below 0.00001; ExAC 0.00001.

Submissions (3):

Ambry Genetics
Classification: Uncertain significance for Inborn genetic diseases. Last evaluated: 2025-05-17. Review status: criteria provided, single submitter. Criteria: Ambry Variant Classification Scheme 2023. Collection method: clinical testing. Allele origin: germline.

Labcorp Genetics (formerly Invitae), Labcorp
Classification: Uncertain significance. Last evaluated: 2024-02-17. Review status: criteria provided, single submitter. Criteria: Invitae Variant Classification Sherloc (09022015). Collection method: clinical testing. Allele origin: germline.
Comment: This sequence change replaces tryptophan, which is neutral and slightly polar, with arginine, which is basic and polar, at codon 418 of the CERKL protein (p.Trp418Arg). This variant is present in population databases (rs773416880, gnomAD 0.0009%). This variant has not been reported in the literature in individuals affected with CERKL-related conditions. ClinVar contains an entry for this variant (Variation ID: 1005884). Advanced modeling of protein sequence and biophysical properties (such as structural, functional, and spatial information, amino acid conservation, physicochemical variation, residue mobility, and thermodynamic stability) performed at Invitae indicates that this missense variant is expected to disrupt CERKL protein function with a positive predictive value of 80%. In summary, the available evidence is currently insufficient to determine the role of this variant in disease. Therefore, it has been classified as a Variant of Uncertain Significance.

Natera, Inc.
Classification: Uncertain significance for Retinitis Pigmentosa 26. Last evaluated: 2021-09-24. Review status: no assertion criteria provided. Collection method: clinical testing. Allele origin: germline. Not counted in ClinVar's aggregate classification.